The following is an entry in ClinVar:

NM_000350.3(ABCA4):c.5364del (p.Ser1789fs)

Gene: ABCA4 (ATP binding cassette subfamily A member 4; minus strand). Cytogenetic location: 1p22.1.
Variant type: Deletion.
Coding change: c.5364del on transcript NM_000350.3 (MANE Select); coding-DNA position 5364, one base deleted (C; older notation c.5364delC).
Protein change: p.Ser1789fs; shifts the reading frame from serine 1789.
Molecular consequence: frameshift variant.
Genome position (GRCh38, 1-based): chr1:94,014,639, G deleted on the plus strand (C on the coding strand, the reverse complement: ABCA4 is on the minus strand); the first of 4 consecutive G bases (chr1:94,014,639-94,014,642); deleting any one gives the same sequence. VCF-style (leftmost placement, unchanged base first): chr1-94014638-TG-T. GRCh37 (hg19) VCF-style: chr1-94480194-TG-T.
Other names: c.5139delC, p.Ser1715Alafs (NM_001425324.1); short protein forms S1789fs.
Identifiers: ClinVar variation 1411178 (VCV001411178.6), dbSNP rs2101013784, ClinGen allele CA2573132677.

ClinVar aggregate classification (germline): Pathogenic (1 of 4 stars; one submission).

Submission:

Labcorp Genetics (formerly Invitae), Labcorp
Classification: Pathogenic. Last evaluated: 2022-03-03. Review status: criteria provided, single submitter. Criteria: Invitae Variant Classification Sherloc (09022015). Collection method: clinical testing. Allele origin: germline.
Comment: This sequence change creates a premature translational stop signal (p.Ser1789Alafs*41) in the ABCA4 gene. It is expected to result in an absent or disrupted protein product. Loss-of-function variants in ABCA4 are known to be pathogenic (PMID: 10958761, 24938718, 25312043, 26780318). For these reasons, this variant has been classified as Pathogenic. This variant has not been reported in the literature in individuals affected with ABCA4-related conditions. This variant is not present in population databases (gnomAD no frequency).

Literature cited by the submitters: PubMed 10958761; PubMed 24938718; PubMed 25312043; PubMed 26780318.